The following is an entry in ClinVar:

NM_006231.4(POLE):c.5537A>T (p.Lys1846Met)

Gene: POLE (DNA polymerase epsilon, catalytic subunit; minus strand). Cytogenetic location: 12q24.33.
Variant type: single nucleotide variant.
Coding change: c.5537A>T on transcript NM_006231.4 (MANE Select); coding-DNA position 5537, A replaced by T.
Protein change: p.Lys1846Met; replaces lysine 1846 with methionine.
Molecular consequence: missense variant.
Genome position (GRCh38, 1-based): chr12:132,639,140, T>A on the plus strand (A>T on the coding strand, the complement: POLE is on the minus strand). VCF-style: chr12-132639140-T-A. GRCh37 (hg19) VCF-style: chr12-133215726-T-A.
Other names: short protein forms K1846M.
Identifiers: ClinVar variation 936659 (VCV000936659.13), dbSNP rs2042090549, ClinGen allele CA387374556.

ClinVar aggregate classification (germline): Uncertain significance. Review status: criteria provided, multiple submitters, no conflicts (2 of 4 stars). 2 submissions from 2 submitters: Uncertain significance (2). Last evaluated 2025-05-15.

Conditions:
Hereditary cancer-predisposing syndrome. Also called: Tumor predisposition; Hereditary neoplastic syndrome; Hereditary Cancer Syndrome; Neoplastic Syndromes, Hereditary. Identifiers: Orphanet 140162, MedGen C0027672, MeSH D009386, MONDO:0015356.

Allele frequency attached by ClinVar (database versions not stated): TOPMed below 0.00001.

Submissions (2):

Ambry Genetics
Classification: Uncertain significance for Hereditary cancer-predisposing syndrome. Last evaluated: 2025-05-15. Review status: criteria provided, single submitter. Criteria: Ambry Variant Classification Scheme 2023. Collection method: clinical testing. Allele origin: germline.
Comment: The p.K1846M variant (also known as c.5537A>T), located in coding exon 40 of the POLE gene, results from an A to T substitution at nucleotide position 5537. The lysine at codon 1846 is replaced by methionine, an amino acid with similar properties. This amino acid position is conserved. In addition, the in silico prediction for this alteration is inconclusive. Since supporting evidence is limited at this time, the clinical significance of this alteration remains unclear.

Labcorp Genetics (formerly Invitae), Labcorp
Classification: Uncertain significance. Last evaluated: 2022-09-27. Review status: criteria provided, single submitter. Criteria: Invitae Variant Classification Sherloc (09022015). Collection method: clinical testing. Allele origin: germline.
Comment: This variant has not been reported in the literature in individuals affected with POLE-related conditions. This variant is not present in population databases (gnomAD no frequency). This sequence change replaces lysine, which is basic and polar, with methionine, which is neutral and non-polar, at codon 1846 of the POLE protein (p.Lys1846Met). ClinVar contains an entry for this variant (Variation ID: 936659). In summary, the available evidence is currently insufficient to determine the role of this variant in disease. Therefore, it has been classified as a Variant of Uncertain Significance. Advanced modeling of protein sequence and biophysical properties (such as structural, functional, and spatial information, amino acid conservation, physicochemical variation, residue mobility, and thermodynamic stability) performed at Invitae indicates that this missense variant is not expected to disrupt POLE protein function.